The following is an entry in ClinVar:

NM_014874.4(MFN2):c.321T>G (p.Asn107Lys)

Gene: MFN2 (mitofusin 2; plus strand). Cytogenetic location: 1p36.22.
Variant type: single nucleotide variant.
Coding change: c.321T>G on transcript NM_014874.4 (MANE Select); coding-DNA position 321, T replaced by G.
Protein change: p.Asn107Lys; replaces asparagine 107 with lysine.
Molecular consequence: missense variant.
Genome position (GRCh38, 1-based): chr1:11,996,165, T>G. VCF-style: chr1-11996165-T-G. GRCh37 (hg19) VCF-style: chr1-12056222-T-G.
Other names: c.321T>G, p.Asn107Lys (NM_001127660.2); short protein forms N107K.
Identifiers: ClinVar variation 1042450 (VCV001042450.8), dbSNP rs1638897505, ClinGen allele CA338433895.
Genomic context (GRCh38, chr1:11,996,165, plus strand): 5'-AATTCAGGTCAGATACTGGTGGCTTTGCTGACAGCTGTTACTTCCTTCTAGGACGAGCAA[T>G]GGGAAGAGCACCGTGATCAATGCCATGCTCTGGGACAAAGTTCTGCCCTCTGGGATTGGC-3'
Protein context (NP_055689.1, residues 97-117): MKVAFFGRTS[Asn107Lys]GKSTVINAML

ClinVar aggregate classification (germline): Uncertain significance. Review status: criteria provided, multiple submitters, no conflicts (2 of 4 stars). 2 submissions from 2 submitters: Uncertain significance (2). Last evaluated 2023-05-09.

Conditions:
Charcot-Marie-Tooth disease type 2. Also called: Charcot-Marie-Tooth type 2. Identifiers: Orphanet 64746, MedGen C0270914, MONDO:0018993.
Charcot-Marie-Tooth disease type 2A2. Also called: CHARCOT-MARIE-TOOTH DISEASE, AXONAL, TYPE 2A2; CHARCOT-MARIE-TOOTH DISEASE, NEURONAL, TYPE 2A2; HEREDITARY MOTOR AND SENSORY NEUROPATHY IIA2; HMSN IIA2; Charcot-Marie-Tooth Neuropathy Type 2A2; CHARCOT-MARIE-TOOTH DISEASE, AXONAL, AUTOSOMAL DOMINANT, TYPE 2A2A. Identifiers: Orphanet 99947, MedGen C4721887, MONDO:0012231, OMIM 609260.

Submissions (2):

Labcorp Genetics (formerly Invitae), Labcorp
Classification: Uncertain significance for Charcot-Marie-Tooth disease type 2. Last evaluated: 2023-05-09. Review status: criteria provided, single submitter. Criteria: Invitae Variant Classification Sherloc (09022015). Collection method: clinical testing. Allele origin: germline.
Comment: ClinVar contains an entry for this variant (Variation ID: 1042450). In summary, the available evidence is currently insufficient to determine the role of this variant in disease. Therefore, it has been classified as a Variant of Uncertain Significance. Advanced modeling of protein sequence and biophysical properties (such as structural, functional, and spatial information, amino acid conservation, physicochemical variation, residue mobility, and thermodynamic stability) performed at Invitae indicates that this missense variant is expected to disrupt MFN2 protein function. This variant has not been reported in the literature in individuals affected with MFN2-related conditions. This variant is not present in population databases (gnomAD no frequency). This sequence change replaces asparagine, which is neutral and polar, with lysine, which is basic and polar, at codon 107 of the MFN2 protein (p.Asn107Lys).

Neuberg Centre For Genomic Medicine, NCGM
Classification: Uncertain significance for Charcot-Marie-Tooth disease type 2A2. Review status: criteria provided, single submitter. Criteria: ACMG Guidelines, 2015. Collection method: clinical testing. Allele origin: germline. Inheritance: Autosomal dominant inheritance. Affected: yes.
Comment: The missense c.321T>G (p.Asn107Lys) variant in MFN2 gene has been submitted to ClinVar as a Variant of Uncertain Significance, but no details are available for independent assessment. It has not been reported in affected individuals. The p.Asn107Lys variant is novel (not in any individuals) in gnomAD Exomes and 1000 Genomes. The amino acid Asn at position 107 is changed to a Lys changing protein sequence and it might alter its composition and physico-chemical properties. For these reasons, this variant has been classified as Uncertain significance